The following is an entry in ClinVar:

ClinVar aggregate classification (germline): Likely benign (1 of 4 stars; one submission).

Allele frequency attached by ClinVar (database versions not stated): TOPMed 0.00006; gnomAD 0.00007; ExAC 0.00012.
gnomAD v4.1: 179 of 1,612,240 alleles (0.011%); highest among the groups gnomAD compares: Non-Finnish European, 0.014%; no homozygotes.

Submission:

CeGaT Center for Human Genetics Tuebingen
Classification: Likely benign. Last evaluated: 2022-12-01. Review status: criteria provided, single submitter. Criteria: CeGaT Center For Human Genetics Tuebingen Variant Classification Criteria Version 2. Collection method: clinical testing. Allele origin: germline. Affected: yes. Observed: 1 variant allele.
Comment: DAB1: BP4

NM_001365792.1(DAB1):c.724-7520C>T

Gene: DAB1 (DAB adaptor protein 1; minus strand). Cytogenetic location: 1p32.2.
Variant type: single nucleotide variant.
Coding change: c.724-7520C>T on transcript NM_001365792.1 (MANE Select); 7520 bases into the intron before coding-DNA position 724, C replaced by T.
Molecular consequence: intron variant.
Genome position (GRCh38, 1-based): chr1:57,033,563, G>A on the plus strand (C>T on the coding strand, the complement: DAB1 is on the minus strand). VCF-style: chr1-57033563-G-A. GRCh37 (hg19) VCF-style: chr1-57499236-G-A.
Other names: c.718-7520C>T (NM_001379461.1, NM_001353986.2); c.724-7520C>T (NM_021080.5, NM_001379462.1, NM_001353983.2 and 2 more transcripts).
Identifiers: ClinVar variation 2638843 (VCV002638843.24), dbSNP rs764844188, ClinGen allele CA876446.